The following is an entry in ClinVar:

ClinVar aggregate classification (germline): Conflicting classifications of pathogenicity. Review status: criteria provided, conflicting classifications (1 of 4 stars). 2 submissions from 2 submitters: Uncertain significance (1); Likely benign (1). Last evaluated 2022-08-21.

Conditions:
Inborn genetic diseases. Identifiers: MedGen C0950123, MeSH D030342.

Allele frequency attached by ClinVar (database versions not stated): gnomAD 0.00001; gnomAD exomes 0.00001 and 0.00002; ExAC 0.00002; TOPMed 0.00002.

Submissions (2):

Labcorp Genetics (formerly Invitae), Labcorp
Classification: Uncertain significance. Last evaluated: 2022-08-21. Review status: criteria provided, single submitter. Criteria: Invitae Variant Classification Sherloc (09022015). Collection method: clinical testing. Allele origin: germline.
Comment: This sequence change replaces methionine, which is neutral and non-polar, with threonine, which is neutral and polar, at codon 206 of the UNC45A protein (p.Met206Thr). This variant is present in population databases (rs781377062, gnomAD 0.003%). This variant has not been reported in the literature in individuals affected with UNC45A-related conditions. ClinVar contains an entry for this variant (Variation ID: 1506222). Algorithms developed to predict the effect of missense changes on protein structure and function output the following: SIFT: "Not Available"; PolyPhen-2: "Benign"; Align-GVGD: "Not Available". The threonine amino acid residue is found in multiple mammalian species, which suggests that this missense change does not adversely affect protein function. In summary, the available evidence is currently insufficient to determine the role of this variant in disease. Therefore, it has been classified as a Variant of Uncertain Significance.

Ambry Genetics
Classification: Likely benign for Inborn genetic diseases. Last evaluated: 2022-04-08. Review status: criteria provided, single submitter. Criteria: Ambry Variant Classification Scheme 2023. Collection method: clinical testing. Allele origin: germline.

NM_018671.5(UNC45A):c.617T>C (p.Met206Thr)

Gene: UNC45A (unc-45 myosin chaperone A; plus strand). Cytogenetic location: 15q26.1.
Variant type: single nucleotide variant.
Coding change: c.617T>C on transcript NM_018671.5 (MANE Select); coding-DNA position 617, T replaced by C.
Protein change: p.Met206Thr; replaces methionine 206 with threonine.
Molecular consequence: missense variant.
Genome position (GRCh38, 1-based): chr15:90,940,403, T>C. VCF-style: chr15-90940403-T-C. GRCh37 (hg19) VCF-style: chr15-91483633-T-C.
Other names: c.572T>C, p.Met191Thr (NM_001039675.2, NM_001323621.2); c.617T>C, p.Met206Thr (NM_001323619.1); c.182T>C, p.Met61Thr (NM_001323620.2); c.617T>C (NM_018671.3); short protein forms M191T, M206T, M61T.
Identifiers: ClinVar variation 1506222 (VCV001506222.6), dbSNP rs781377062, ClinGen allele CA7742604.